The following is an entry in ClinVar:

NM_001042492.3(NF1):c.288+594A>G

Gene: NF1 (neurofibromin 1; plus strand). Cytogenetic location: 17q11.2.
Variant type: single nucleotide variant.
Coding change: c.288+594A>G on transcript NM_001042492.3 (MANE Select); 594 bases into the intron after coding-DNA position 288, A replaced by G.
Molecular consequence: intron variant.
Genome position (GRCh38, 1-based): chr17:31,159,687, A>G. VCF-style: chr17-31159687-A-G. GRCh37 (hg19) VCF-style: chr17-29486705-A-G.
Other names: c.288+594A>G (NM_000267.4, NM_001128147.3).
Identifiers: ClinVar variation 2762616 (VCV002762616.3), dbSNP rs2544692482, ClinGen allele CA2697559533.

ClinVar aggregate classification (germline): Uncertain significance (1 of 4 stars; one submission).

Conditions:
Neurofibromatosis, type 1 (NF1). Also called: VON RECKLINGHAUSEN DISEASE; Neurofibromatosis, type I; NEUROFIBROMATOSIS, TYPE I, SOMATIC; Peripheral type neurofibromatosis. Identifiers: Orphanet 636, MedGen C0027831, MONDO:0018975, OMIM 162200. Disease mechanism: loss of function.

Submission:

Labcorp Genetics (formerly Invitae), Labcorp
Classification: Uncertain significance for Neurofibromatosis, type 1. Last evaluated: 2023-09-21. Review status: criteria provided, single submitter. Criteria: Invitae Variant Classification Sherloc (09022015). Collection method: clinical testing. Allele origin: germline.
Comment: This sequence change falls in intron 3 of the NF1 gene. It does not directly change the encoded amino acid sequence of the NF1 protein. RNA analysis indicates that this variant induces altered splicing and likely results in the gain of 22 amino acid residue(s), but is expected to preserve the integrity of the reading-frame. In summary, the available evidence is currently insufficient to determine the role of this variant in disease. Therefore, it has been classified as a Variant of Uncertain Significance. Studies have shown that this variant results in the activation of a cryptic splice site in Intron 3 (Invitae). This variant has not been reported in the literature in individuals affected with NF1-related conditions. This variant is not present in population databases (gnomAD no frequency).